The following is an entry in ClinVar:

NM_022841.7(RFX7):c.2098C>T (p.Pro700Ser)

Gene: RFX7 (regulatory factor X7; minus strand). Cytogenetic location: 15q21.3.
Variant type: single nucleotide variant.
Coding change: c.2098C>T on transcript NM_022841.7 (MANE Select); coding-DNA position 2098, C replaced by T.
Protein change: p.Pro700Ser; replaces proline 700 with serine.
Molecular consequence: missense variant.
Genome position (GRCh38, 1-based): chr15:56,095,630, G>A on the plus strand (C>T on the coding strand, the complement: RFX7 is on the minus strand). VCF-style: chr15-56095630-G-A. GRCh37 (hg19) VCF-style: chr15-56387828-G-A.
Other names: c.1807C>T, p.Pro603Ser (NM_001368073.2, NM_001368074.1, NM_001370554.1); c.2098C>T, p.Pro700Ser (NM_001370561.1); short protein forms P603S, P700S.
Identifiers: ClinVar variation 2295454 (VCV002295454.3), dbSNP rs765325717, ClinGen allele CA7578188.

ClinVar aggregate classification (germline): Uncertain significance. Review status: criteria provided, multiple submitters, no conflicts (2 of 4 stars). 2 submissions from 2 submitters: Uncertain significance (2). Last evaluated 2024-01-15.

Conditions:
Inborn genetic diseases. Identifiers: MedGen C0950123, MeSH D030342.

Allele frequency attached by ClinVar (database versions not stated): ExAC 0.00002.

Submissions (2):

Women's Health and Genetics/Laboratory Corporation of America, LabCorp
Classification: Uncertain significance. Last evaluated: 2024-01-15. Review status: criteria provided, single submitter. Criteria: LabCorp Variant Classification Summary - May 2015. Collection method: clinical testing. Allele origin: germline.
Comment: Variant summary: RFX7 c.2098C>T (p.Pro700Ser) results in a non-conservative amino acid change in the encoded protein sequence. Three of five in-silico tools predict a benign effect of the variant on protein function. The variant allele was found at a frequency of 1.6e-05 in 249148 control chromosomes. The available data on variant occurrences in the general population are insufficient to allow any conclusion about variant significance. To our knowledge, no occurrence of c.2098C>T in individuals affected with Intellectual Developmental Disorder, Autosomal Dominant 71, With Behavioral Abnormalities and no experimental evidence demonstrating its impact on protein function have been reported. ClinVar contains an entry for this variant (Variation ID: 2295454). Based on the evidence outlined above, the variant was classified as uncertain significance.

Ambry Genetics
Classification: Uncertain significance for Inborn genetic diseases. Last evaluated: 2022-06-13. Review status: criteria provided, single submitter. Criteria: Ambry Variant Classification Scheme 2023. Collection method: clinical testing. Allele origin: germline.